The following is an entry in ClinVar:

ClinVar aggregate classification (germline): Uncertain significance (1 of 4 stars; one submission).

Conditions:
Epilepsy. Also called: Seizure disorder. Identifiers: MedGen C0014544, MeSH D004827, MONDO:0005027.

Submission:

Labcorp Genetics (formerly Invitae), Labcorp
Classification: Uncertain significance for Epilepsy. Last evaluated: 2024-10-22. Review status: criteria provided, single submitter. Criteria: Invitae Variant Classification Sherloc (09022015). Collection method: clinical testing. Allele origin: germline.
Comment: This sequence change replaces cysteine, which is neutral and slightly polar, with glycine, which is neutral and non-polar, at codon 10 of the PIGQ protein (p.Cys10Gly). This variant is not present in population databases (gnomAD no frequency). This variant has not been reported in the literature in individuals affected with PIGQ-related conditions. ClinVar contains an entry for this variant (Variation ID: 1396168). An algorithm developed to predict the effect of missense changes on protein structure and function (PolyPhen-2) suggests that this variant is likely to be disruptive. In summary, the available evidence is currently insufficient to determine the role of this variant in disease. Therefore, it has been classified as a Variant of Uncertain Significance.

NM_004204.5(PIGQ):c.28T>G (p.Cys10Gly)

Gene: PIGQ (phosphatidylinositol glycan anchor biosynthesis class Q; plus strand). Cytogenetic location: 16p13.3.
Variant type: single nucleotide variant.
Coding change: c.28T>G on transcript NM_004204.5 (MANE Select); coding-DNA position 28, T replaced by G.
Protein change: p.Cys10Gly; replaces cysteine 10 with glycine.
Molecular consequence: missense variant.
Genome position (GRCh38, 1-based): chr16:574,102, T>G. VCF-style: chr16-574102-T-G. GRCh37 (hg19) VCF-style: chr16-624102-T-G.
Other names: c.28T>G, p.Cys10Gly (NM_148920.4); short protein forms C10G.
Identifiers: ClinVar variation 1396168 (VCV001396168.6), dbSNP rs2151044098, ClinGen allele CA394044842.